The following is an entry in ClinVar:

ClinVar aggregate classification (germline): Uncertain significance. Review status: criteria provided, multiple submitters, no conflicts (2 of 4 stars). 2 submissions from 2 submitters: Uncertain significance (2). Last evaluated 2025-07-14.

Conditions:
Inborn genetic diseases. Identifiers: MedGen C0950123, MeSH D030342.

Allele frequency attached by ClinVar (database versions not stated): gnomAD exomes below 0.00001; ExAC 0.00001; gnomAD 0.00002; TOPMed 0.00002; 1000 Genomes Project 30x 0.00021; 1000 Genomes Project 0.00026.
gnomAD v4.1: 7 of 1,208,369 alleles (0.00058%); highest among the groups gnomAD compares: South Asian, 0.0035%; no homozygotes.

Submissions (2):

Ambry Genetics
Classification: Uncertain significance for Inborn genetic diseases. Last evaluated: 2025-07-14. Review status: criteria provided, single submitter. Criteria: Ambry Variant Classification Scheme 2023. Collection method: clinical testing. Allele origin: germline.

Women's Health and Genetics/Laboratory Corporation of America, LabCorp
Classification: Uncertain significance. Last evaluated: 2023-10-12. Review status: criteria provided, single submitter. Criteria: LabCorp Variant Classification Summary - May 2015. Collection method: clinical testing. Allele origin: germline.
Comment: Variant summary: PHKA2 c.3544A>G (p.Ile1182Val) results in a conservative amino acid change located in the Phosphorylase b kinase regulatory subunit alpha/beta, C-terminal domain of the encoded protein sequence. Five of five in-silico tools predict a benign effect of the variant on protein function. The variant allele was found at a frequency of 5.5e-06 in 181979 control chromosomes. The available data on variant occurrences in the general population are insufficient to allow any conclusion about variant significance. To our knowledge, no occurrence of c.3544A>G in individuals affected with Glycogen Storage Disease, Type IXa1 and no experimental evidence demonstrating its impact on protein function have been reported. No submitters have cited clinical-significance assessments for this variant to ClinVar after 2014. Based on the evidence outlined above, the variant was classified as uncertain significance.

NM_000292.3(PHKA2):c.3544A>G (p.Ile1182Val)

Genes: PHKA2 (phosphorylase kinase regulatory subunit alpha 2; minus strand), PHKA2-AS1 (PHKA2 antisense RNA 1; plus strand). Cytogenetic location: Xp22.13.
Variant type: single nucleotide variant.
Coding change: c.3544A>G on transcript NM_000292.3 (MANE Select); coding-DNA position 3544, A replaced by G.
Protein change: p.Ile1182Val; replaces isoleucine 1182 with valine.
Molecular consequence: missense variant.
Genome position (GRCh38, 1-based): chrX:18,893,649, T>C on the plus strand (A>G on the coding strand, the complement: PHKA2 is on the minus strand). VCF-style: chrX-18893649-T-C. GRCh37 (hg19) VCF-style: chrX-18911767-T-C.
Other names: c.3544A>G (NM_000292.2); short protein forms I1182V.
Identifiers: ClinVar variation 2637686 (VCV002637686.2), dbSNP rs201884669, ClinGen allele CA10361263.